The following is an entry in ClinVar:

NM_005733.3(KIF20A):c.813CAG[1] (p.Ser274del)

Gene: KIF20A (kinesin family member 20A; plus strand). Cytogenetic location: 5q31.2.
Variant type: Microsatellite.
Coding change: c.813CAG[1] on transcript NM_005733.3 (MANE Select); one copy of the 3-base unit CAG starting at c.813; the reference has two copies in a row; one copy, 3 bases deleted.
Protein change: p.Ser274del; deletes serine 274.
Molecular consequence: inframe deletion.
Genome position (GRCh38, 1-based): chr5:138,182,974-138,182,976, CAG deleted; deleting any 3 consecutive bases within chr5:138,182,971-138,182,976 gives the same sequence; the position shown is the placement nearest the transcript's 3' end. VCF-style (leftmost placement, unchanged base first): chr5-138182970-CCAG-C. GRCh37 (hg19) VCF-style: chr5-137518659-CCAG-C.
Other names: short protein forms S274del.
Identifiers: ClinVar variation 2044820 (VCV002044820.4), dbSNP rs2482180411, ClinGen allele CA2580613668.
Genomic context (GRCh38, chr5:138,182,970, plus strand): 5'-TAGGTACCAGCACCAGCTTCGACAGTGGCATTGCTGGGCTCTCTTCTATCAGTCAGTGTA[CCAG>C]CAGTAGCCAGCTGGATGGTATGTACCGTGACTGGGCTCTGCCAAAAAATAGTAGGAACTC-3'

ClinVar aggregate classification (germline): Uncertain significance (1 of 4 stars; one submission).

Submission:

Labcorp Genetics (formerly Invitae), Labcorp
Classification: Uncertain significance. Last evaluated: 2021-12-17. Review status: criteria provided, single submitter. Criteria: Invitae Variant Classification Sherloc (09022015). Collection method: clinical testing. Allele origin: germline.
Comment: This variant, c.816_818del, results in the deletion of 1 amino acid(s) of the KIF20A protein (p.Ser274del), but otherwise preserves the integrity of the reading frame. This variant is not present in population databases (gnomAD no frequency). This variant has not been reported in the literature in individuals affected with KIF20A-related conditions. Experimental studies and prediction algorithms are not available or were not evaluated, and the functional significance of this variant is currently unknown. In summary, the available evidence is currently insufficient to determine the role of this variant in disease. Therefore, it has been classified as a Variant of Uncertain Significance.